The following is an entry in ClinVar:

NM_000377.3(WAS):c.984del (p.Pro330fs)

Gene: WAS (WASP actin nucleation promoting factor; plus strand). Cytogenetic location: Xp11.23.
Variant type: Deletion.
Coding change: c.984del on transcript NM_000377.3 (MANE Select); coding-DNA position 984, one base deleted (G; older notation c.984delG).
Protein change: p.Pro330fs; shifts the reading frame from proline 330.
Molecular consequence: frameshift variant.
Genome position (GRCh38, 1-based): chrX:48,688,712, G deleted; the last of 2 consecutive G bases (chrX:48,688,711-48,688,712); deleting either gives the same sequence. VCF-style (leftmost placement, unchanged base first): chrX-48688710-CG-C. GRCh37 (hg19) VCF-style: chrX-48547099-CG-C.
Other names: c.984delG (NM_000377.3); short protein forms P330fs.
Identifiers: ClinVar variation 3251385 (VCV003251385.1), dbSNP rs2519286594.
Genomic context (GRCh38, chrX:48,688,710, plus strand): 5'-CCCTCCACAGAGCCACTTCCGCCGCCCCCACCGCCATCTCGAGGAGGGAACCAGCTCCCC[CG>C]GCCCCCTATTGTGGGGGGTAACAAGGGTCGTTCTGGTCCACTGCCCCCTGTACCTTTGGG-3'

ClinVar aggregate classification (germline): Pathogenic (1 of 4 stars; one submission).

Conditions:
Wiskott-Aldrich syndrome (WAS). Also called: WISKOTT-ALDRICH SYNDROME 1; ALDRICH SYNDROME; IMMUNODEFICIENCY 2; Wiskott-aldrich syndrome, somatic. Identifiers: Orphanet 906, MedGen C0043194, MONDO:0010518, OMIM 301000.

Submission:

Women's Health and Genetics/Laboratory Corporation of America, LabCorp
Classification: Pathogenic for Wiskott-Aldrich syndrome. Last evaluated: 2024-04-09. Review status: criteria provided, single submitter. Criteria: LabCorp Variant Classification Summary - May 2015. Collection method: clinical testing. Allele origin: germline.
Comment: Variant summary: WAS c.984delG (p.Pro330LeufsX115) results in a premature termination codon, predicted to cause absence of the protein due to nonsense mediated decay, which is a commonly known mechanism for disease. The variant was absent in 150189 control chromosomes (gnomAD). c.984delG has been reported in the literature in at least one individual affected with Wiskott-Aldrich Syndrome (Lutskiy_2005). To our knowledge, no experimental evidence demonstrating an impact on protein function has been reported. The following publication has been ascertained in the context of this evaluation (PMID: 16002738). No submitters have cited clinical-significance assessments for this variant to ClinVar. Based on the evidence outlined above, the variant was classified as pathogenic.

Literature cited by the submitters: PubMed 16002738.